The following is an entry in ClinVar:

ClinVar aggregate classification (germline): Likely benign. Review status: criteria provided, multiple submitters, no conflicts (2 of 4 stars). 3 submissions from 3 submitters: Likely benign (3). Last evaluated 2024-07-30.

Allele frequency attached by ClinVar (database versions not stated): gnomAD exomes 0.00007; 1000 Genomes Project 0.00020; ExAC 0.00007; ESP Exome Variant Server 0.00008; gnomAD 0.00005; TOPMed 0.00009; 1000 Genomes Project 30x 0.00016.
gnomAD v4.1: 106 of 1,613,950 alleles (0.0066%); highest among the groups gnomAD compares: Admixed American, 0.0083%; no homozygotes.

Submissions (3):

Labcorp Genetics (formerly Invitae), Labcorp
Classification: Likely benign. Last evaluated: 2024-07-30. Review status: criteria provided, single submitter. Criteria: Invitae Variant Classification Sherloc (09022015). Collection method: clinical testing. Allele origin: germline.

GeneDx
Classification: Likely benign. Last evaluated: 2021-03-10. Review status: criteria provided, single submitter. Criteria: GeneDx Variant Classification Process June 2021. Collection method: clinical testing. Allele origin: germline. Affected: yes.

Laboratory for Molecular Medicine, Mass General Brigham Personalized Medicine
Classification: Likely benign. Last evaluated: 2015-11-03. Review status: criteria provided, single submitter. Criteria: LMM Criteria. Collection method: clinical testing. Allele origin: germline. Observed: 1 variant allele.
Comment: p.Pro249Pro in Exon 4 of GRXCR1: This variant is not expected to have clinical s ignificance because it does not alter an amino acid residue, is not located with in the splice consensus sequence, and has been identified in 6/ 66740 European c hromosomes by Exome Aggregation Consortium (ExAC ; dbSNP ID rs369500517).

NM_001080476.3(GRXCR1):c.747A>G (p.Pro249=)

Gene: GRXCR1 (glutaredoxin and cysteine rich domain containing 1; plus strand). Cytogenetic location: 4p13.
Variant type: single nucleotide variant.
Coding change: c.747A>G on transcript NM_001080476.3 (MANE Select); coding-DNA position 747, A replaced by G.
Protein change: p.Pro249=; no amino-acid change (proline 249 retained).
Molecular consequence: synonymous variant.
Genome position (GRCh38, 1-based): chr4:43,030,414, A>G. VCF-style: chr4-43030414-A-G. GRCh37 (hg19) VCF-style: chr4-43032431-A-G.
Identifiers: ClinVar variation 227421 (VCV000227421.12), dbSNP rs369500517, ClinGen allele CA2904524.
Genomic context (GRCh38, chr4:43,030,414, plus strand): 5'-TATACAGAGAGTACAGCATCCACATGAGTGTCCCTCTTGTGGAGGCTTTGGCTTTCTTCC[A>G]TGCTCCGTGTGCCATGGGAGCAAGATGTCCATGTTTCGAAACTGCTTCACAGACTCTTTC-3'
Protein context (NP_001073945.1, residues 239-259): CPSCGGFGFL[Pro249=]CSVCHGSKMS